The following is an entry in ClinVar:

ClinVar aggregate classification (germline): Likely pathogenic. Review status: criteria provided, multiple submitters, no conflicts (2 of 4 stars). 2 submissions from 2 submitters: Likely pathogenic (2). Last evaluated 2024-04-26.

Conditions:
Wilms tumor 1 (WT1). Also called: Wilms tumor, somatic. Identifiers: Orphanet 654, MedGen CN033288, MONDO:0008679, OMIM 194070.

Submissions (3):

Mayo Clinic Laboratories, Mayo Clinic
Classification: Likely pathogenic. Last evaluated: 2024-04-26. Review status: criteria provided, single submitter. Criteria: ACMG Guidelines, 2015. Collection method: clinical testing. Allele origin: germline. Observed: 2 variant alleles.
Comment: PM2, PM6, PVS1_strong

Labcorp Genetics (formerly Invitae), Labcorp
Classification: Likely pathogenic for Wilms tumor 1. Last evaluated: 2022-09-29. Review status: criteria provided, single submitter. Criteria: Invitae Variant Classification Sherloc (09022015). Collection method: clinical testing. Allele origin: germline.
Comment: In summary, the currently available evidence indicates that the variant is pathogenic, but additional data are needed to prove that conclusively. Therefore, this variant has been classified as Likely Pathogenic. Algorithms developed to predict the effect of sequence changes on RNA splicing suggest that this variant may disrupt the consensus splice site. This variant has not been reported in the literature in individuals affected with GPC3-related conditions. This variant is not present in population databases (gnomAD no frequency). This sequence change affects a donor splice site in intron 2 of the GPC3 gene. It is expected to disrupt RNA splicing. Variants that disrupt the donor or acceptor splice site typically lead to a loss of protein function (PMID: 16199547), and loss-of-function variants in GPC3 are known to be pathogenic (PMID: 10402475, 12713262, 17603795).

Dr. Peter K. Rogan Lab, Western University
No classification provided (evidence only). Condition: Thyroid cancer, nonmedullary, 1. Review status: no classification provided. Collection method: in vitro. Allele origin: not applicable. Functional consequence: retained intron. Not counted in ClinVar's aggregate classification.

Literature cited by the submitters: PubMed 16158429 (cited by Mayo Clinic Laboratories, Mayo Clinic); PubMed 16199547 (cited by Labcorp Genetics (formerly Invitae), Labcorp); PubMed 10402475 (cited by Labcorp Genetics (formerly Invitae), Labcorp); PubMed 12713262 (cited by Labcorp Genetics (formerly Invitae), Labcorp); PubMed 17603795 (cited by Labcorp Genetics (formerly Invitae), Labcorp).

NM_004484.4(GPC3):c.337+2T>A

Gene: GPC3 (glypican 3; minus strand). Cytogenetic location: Xq26.2.
Variant type: single nucleotide variant.
Coding change: c.337+2T>A on transcript NM_004484.4 (MANE Select); the canonical splice donor site of the intron after coding-DNA position 337, T replaced by A.
Molecular consequence: splice donor variant. On other transcripts: intron variant (2).
Genome position (GRCh38, 1-based): chrX:133,953,048, A>T on the plus strand (T>A on the coding strand, the complement: GPC3 is on the minus strand). VCF-style: chrX-133953048-A-T. GRCh37 (hg19) VCF-style: chrX-133087075-A-T.
Other names: c.175+32227T>A (NM_001164619.2); c.289+50T>A (NM_001164618.2); c.337+2T>A (NM_001164617.2).
Identifiers: ClinVar variation 2033319 (VCV002033319.6), dbSNP rs2521895048, ClinGen allele CA414707255.
Genomic context (GRCh38, chrX:133,953,048, plus strand): 5'-AGCCCAGTGCCCAAATAATGATGCCACTAAGCAGCACATCTAAAATAATCCCCAGAACTC[A>T]CCTTGGAAAACCGCAGCATTCTGAATAATTAAGAACTTGAGCTCCATACTTGCAGACTGA-3'